The following is an entry in ClinVar:

ClinVar aggregate classification (germline): Likely benign (1 of 4 stars; one submission).

gnomAD v4.1: 3 of 1,613,290 alleles (0.00019%); highest among the groups gnomAD compares: African/African-American, 0.0013%; no homozygotes.

Submission:

CeGaT Center for Human Genetics Tuebingen
Classification: Likely benign. Last evaluated: 2023-11-01. Review status: criteria provided, single submitter. Criteria: CeGaT Center For Human Genetics Tuebingen Variant Classification Criteria Version 2. Collection method: clinical testing. Allele origin: germline. Affected: yes. Observed: 1 variant allele.
Comment: FLT4: BP4, BP7

NM_182925.5(FLT4):c.1740C>A (p.Ala580=)

Gene: FLT4 (fms related receptor tyrosine kinase 4; minus strand). Cytogenetic location: 5q35.3.
Variant type: single nucleotide variant.
Coding change: c.1740C>A on transcript NM_182925.5 (MANE Select); coding-DNA position 1740, C replaced by A.
Protein change: p.Ala580=; no amino-acid change (alanine 580 retained).
Molecular consequence: synonymous variant.
Genome position (GRCh38, 1-based): chr5:180,621,822, G>T on the plus strand (C>A on the coding strand, the complement: FLT4 is on the minus strand). VCF-style: chr5-180621822-G-T. GRCh37 (hg19) VCF-style: chr5-180048822-G-T.
Other names: c.1740C>A, p.Ala580= (NM_001354989.2, NM_002020.5).
Identifiers: ClinVar variation 2673040 (VCV002673040.23), dbSNP rs773249416, ClinGen allele CA3606609.